The following is an entry in ClinVar:

ClinVar aggregate classification (germline): Uncertain significance (1 of 4 stars; one submission).

Conditions:
Hereditary breast ovarian cancer syndrome. Also called: Hereditary breast and ovarian cancer syndrome (HBOC); Hereditary breast and/or ovarian cancer syndrome; Hereditary breast and ovarian cancer; Hereditary breast and ovarian cancer syndrome; BRCA1- and BRCA2-Associated Hereditary Breast and Ovarian Cancer; Breast and ovarian cancer. Identifiers: Orphanet 145, MedGen C0677776, MeSH D061325, MONDO:0003582. Disease mechanism: loss of function.

Submission:

Labcorp Genetics (formerly Invitae), Labcorp
Classification: Uncertain significance for Hereditary breast ovarian cancer syndrome. Last evaluated: 2023-02-16. Review status: criteria provided, single submitter. Criteria: Invitae Variant Classification Sherloc (09022015). Collection method: clinical testing. Allele origin: germline.
Comment: In summary, the available evidence is currently insufficient to determine the role of this variant in disease. Therefore, it has been classified as a Variant of Uncertain Significance. Advanced modeling of protein sequence and biophysical properties (such as structural, functional, and spatial information, amino acid conservation, physicochemical variation, residue mobility, and thermodynamic stability) performed at Invitae indicates that this missense variant is not expected to disrupt BRCA1 protein function. This variant has not been reported in the literature in individuals affected with BRCA1-related conditions. This variant is not present in population databases (gnomAD no frequency). This sequence change replaces alanine, which is neutral and non-polar, with serine, which is neutral and polar, at codon 705 of the BRCA1 protein (p.Ala705Ser).

NM_007294.4(BRCA1):c.2113G>T (p.Ala705Ser)

Gene: BRCA1 (BRCA1 DNA repair associated; minus strand). Cytogenetic location: 17q21.31.
Variant type: single nucleotide variant.
Coding change: c.2113G>T on transcript NM_007294.4 (MANE Select); coding-DNA position 2113, G replaced by T.
Protein change: p.Ala705Ser; replaces alanine 705 with serine.
Molecular consequence: missense variant. On other transcripts: intron variant (137).
Genome position (GRCh38, 1-based): chr17:43,093,418, C>A on the plus strand (G>T on the coding strand, the complement: BRCA1 is on the minus strand). VCF-style: chr17-43093418-C-A. GRCh37 (hg19) VCF-style: chr17-41245435-C-A.
Other names: c.2110G>T, p.Ala704Ser (NM_001407637.1, NM_001407638.1, NM_001407636.1 and 22 more transcripts); c.2113G>T, p.Ala705Ser (NM_001407684.1, NM_001407639.1, NM_001407640.1 and 30 more transcripts); c.1987G>T, p.Ala663Ser (NM_001407685.1, NM_001407686.1, NM_001407649.1 and 11 more transcripts); c.2104G>T, p.Ala702Ser (NM_001407646.1, NM_001407647.1); c.1990G>T, p.Ala664Ser (NM_001407648.1, NM_001407664.1, NM_001407665.1 and 19 more transcripts); c.2035G>T, p.Ala679Ser (NM_001407653.1, NM_001407654.1, NM_001407655.1 and 4 more transcripts); c.2032G>T, p.Ala678Ser (NM_001407659.1, NM_001407660.1, NM_001407661.1 and 1 more transcripts); c.1972G>T, p.Ala658Ser (NM_001407692.1, NM_001407694.1, NM_001407695.1 and 29 more transcripts); and 41 more; short protein forms A705S, A578S, A593S, A616S, A634S, A637S, A658S, A679S.
Identifiers: ClinVar variation 2777860 (VCV002777860.3), dbSNP rs1597872085, ClinGen allele CA10597774.